The following is an entry in ClinVar:

NM_001367624.2(ZNF469):c.6413C>T (p.Ser2138Leu)

Gene: ZNF469 (zinc finger protein 469; plus strand). Cytogenetic location: 16q24.2.
Variant type: single nucleotide variant.
Coding change: c.6413C>T on transcript NM_001367624.2 (MANE Select); coding-DNA position 6413, C replaced by T.
Protein change: p.Ser2138Leu; replaces serine 2138 with leucine.
Molecular consequence: missense variant.
Genome position (GRCh38, 1-based): chr16:88,433,883, C>T. VCF-style: chr16-88433883-C-T. GRCh37 (hg19) VCF-style: chr16-88500291-C-T.
Other names: NM_001127464.2:c.6329C>T; NM_001127464.1:c.6329C>T; short protein forms S2138L.
Identifiers: ClinVar variation 1702141 (VCV001702141.7), dbSNP rs530318278, ClinGen allele CA8225150.
Genomic context (GRCh38, chr16:88,433,883, plus strand): 5'-CTTCAGCCGCCCACATGCCCTGCAGCCTTGGGCCCCTGCCCCGTGAAGACCCACTTACCT[C>T]GCCTTCCAGGGCCCAAGGTGGGCTGGGGGGGCAGCTGCCAGCATCTCCGTCCTGCAGGGA-3'
Protein context (NP_001354553.1, residues 2128-2148): GPLPREDPLT[Ser2138Leu]PSRAQGGLGG

ClinVar aggregate classification (germline): Conflicting classifications of pathogenicity. Review status: criteria provided, conflicting classifications (1 of 4 stars). 3 submissions from 3 submitters: Uncertain significance (2); Likely benign (1). Last evaluated 2023-12-26.

Conditions:
Cardiovascular phenotype. Identifiers: MedGen CN230736.
Ehlers-Danlos syndrome (EDS). Identifiers: Orphanet 98249, MedGen C0013720, MONDO:0020066.

Allele frequency attached by ClinVar (database versions not stated): gnomAD 0.00001 and 0.00005; TOPMed 0.00004; gnomAD exomes 0.00012; ExAC 0.00014; 1000 Genomes Project 0.00020; 1000 Genomes Project 30x 0.00031.
gnomAD v4.1: 84 of 1,548,632 alleles (0.0054%); highest among the groups gnomAD compares: South Asian, 0.069%; no homozygotes.

Submissions (3):

Ambry Genetics
Classification: Likely benign for Cardiovascular phenotype. Last evaluated: 2023-12-26. Review status: criteria provided, single submitter. Criteria: Ambry Variant Classification Scheme 2023. Collection method: clinical testing. Allele origin: germline.

Labcorp Genetics (formerly Invitae), Labcorp
Classification: Uncertain significance. Last evaluated: 2022-04-19. Review status: criteria provided, single submitter. Criteria: Invitae Variant Classification Sherloc (09022015). Collection method: clinical testing. Allele origin: germline.
Comment: This sequence change replaces serine, which is neutral and polar, with leucine, which is neutral and non-polar, at codon 2110 of the ZNF469 protein (p.Ser2110Leu). This variant is present in population databases (rs530318278, gnomAD 0.07%). This variant has not been reported in the literature in individuals affected with ZNF469-related conditions. Algorithms developed to predict the effect of missense changes on protein structure and function (SIFT, PolyPhen-2, Align-GVGD) all suggest that this variant is likely to be tolerated. In summary, the available evidence is currently insufficient to determine the role of this variant in disease. Therefore, it has been classified as a Variant of Uncertain Significance.

Genome Diagnostics Laboratory, The Hospital for Sick Children
Classification: Uncertain significance for Ehlers-Danlos syndrome. Last evaluated: 2021-10-21. Review status: criteria provided, single submitter. Criteria: ACMG Guidelines, 2015. Collection method: clinical testing. Allele origin: germline.